The following is an entry in ClinVar:

NM_004415.4(DSP):c.4841A>G (p.Asn1614Ser)

Gene: DSP (desmoplakin; plus strand). Cytogenetic location: 6p24.3.
Variant type: single nucleotide variant.
Coding change: c.4841A>G on transcript NM_004415.4 (MANE Select); coding-DNA position 4841, A replaced by G.
Protein change: p.Asn1614Ser; replaces asparagine 1614 with serine.
Molecular consequence: missense variant. On other transcripts: intron variant (2).
Genome position (GRCh38, 1-based): chr6:7,581,031, A>G. VCF-style: chr6-7581031-A-G. GRCh37 (hg19) VCF-style: chr6-7581264-A-G.
Other names: c.4050+791A>G (NM_001319034.2); c.3582+1259A>G (NM_001008844.3); short protein forms N1614S.
Identifiers: ClinVar variation 1332185 (VCV001332185.6), dbSNP rs1759419529, ClinGen allele CA362687275.

ClinVar aggregate classification (germline): Conflicting classifications of pathogenicity. Review status: criteria provided, conflicting classifications (1 of 4 stars). 2 submissions from 2 submitters: Uncertain significance (1); Likely benign (1). Last evaluated 2025-07-09.

Conditions:
Arrhythmogenic cardiomyopathy with wooly hair and keratoderma. Also called: Carvajal syndrome; Dilated cardiomyopathy with woolly hair and keratoderma; Arrhythmogenic cardiomyopathy with woolly hair and keratoderma; PALMOPLANTAR KERATODERMA WITH LEFT VENTRICULAR CARDIOMYOPATHY AND WOOLLY HAIR. Identifiers: Orphanet 65282, MedGen C1854063, MONDO:0011581, OMIM 605676.
Arrhythmogenic right ventricular dysplasia 8 (ARVD8). Also called: Arrhythmogenic Right Ventricular Dysplasia/Cardiomyopathy 8; ARRHYTHMOGENIC RIGHT VENTRICULAR DYSPLASIA, FAMILIAL, 8; ARRHYTHMOGENIC RIGHT VENTRICULAR CARDIOMYOPATHY 8. Identifiers: MedGen C1843896, MONDO:0011831, OMIM 607450.
Cardiomyopathy (CMYO). Also called: Cardiomyopathies. Identifiers: Orphanet 167848, MedGen C0878544, MONDO:0004994, HP:0001638. Inheritance: Various modes of inheritance.

Allele frequency attached by ClinVar (database versions not stated): gnomAD 0.00001.
gnomAD v4.1: 1 of 1,613,854 alleles (0.000062%); highest among the groups gnomAD compares: Non-Finnish European, 0.000085%; no homozygotes.

Submissions (2):

Labcorp Genetics (formerly Invitae), Labcorp
Classification: Uncertain significance for Arrhythmogenic cardiomyopathy with wooly hair and keratoderma; Arrhythmogenic right ventricular dysplasia 8. Last evaluated: 2025-07-09. Review status: criteria provided, single submitter. Criteria: Invitae Variant Classification Sherloc (09022015). Collection method: clinical testing. Allele origin: germline.
Comment: This sequence change replaces asparagine, which is neutral and polar, with serine, which is neutral and polar, at codon 1614 of the DSP protein (p.Asn1614Ser). This variant is not present in population databases (gnomAD no frequency). This variant has not been reported in the literature in individuals affected with DSP-related conditions. ClinVar contains an entry for this variant (Variation ID: 1332185). An algorithm developed to predict the effect of missense changes on protein structure and function outputs the following: PolyPhen-2: "Benign". The serine amino acid residue is found in multiple mammalian species, which suggests that this missense change does not adversely affect protein function. In summary, the available evidence is currently insufficient to determine the role of this variant in disease. Therefore, it has been classified as a Variant of Uncertain Significance.

Color Diagnostics, LLC DBA Color Health
Classification: Likely benign for Cardiomyopathy. Last evaluated: 2024-08-29. Review status: criteria provided, single submitter. Criteria: ACMG Guidelines, 2015. Collection method: clinical testing. Allele origin: germline.